The following is an entry in ClinVar:

NM_000057.4(BLM):c.3875-5T>C

Gene: BLM (BLM RecQ like helicase; plus strand). Cytogenetic location: 15q26.1.
Variant type: single nucleotide variant.
Coding change: c.3875-5T>C on transcript NM_000057.4 (MANE Select); 5 bases into the intron before coding-DNA position 3875, T replaced by C.
Molecular consequence: intron variant.
Genome position (GRCh38, 1-based): chr15:90,811,200, T>C. VCF-style: chr15-90811200-T-C. GRCh37 (hg19) VCF-style: chr15-91354430-T-C.
Other names: c.3875-5T>C (NM_001287246.2); c.2750-5T>C (NM_001287248.2); c.3482-5T>C (NM_001287247.2).
Identifiers: ClinVar variation 653221 (VCV000653221.1), dbSNP rs1596273395, ClinGen allele CA915946141.

ClinVar aggregate classification (germline): Uncertain significance (1 of 4 stars; one submission).

Conditions:
Bloom syndrome (BLM). Also called: Bloom-Torre-Machacek syndrome. Identifiers: Orphanet 125, MedGen C0005859, MONDO:0008876, OMIM 210900.

Allele frequency attached by ClinVar (database versions not stated): gnomAD exomes below 0.00001.
gnomAD v4.1: 2 of 1,612,848 alleles (0.00012%); highest among the groups gnomAD compares: East Asian, 0.0022%; no homozygotes.

Submission:

Labcorp Genetics (formerly Invitae), Labcorp
Classification: Uncertain significance for Bloom syndrome. Last evaluated: 2018-11-17. Review status: criteria provided, single submitter. Criteria: Invitae Variant Classification Sherloc (09022015). Collection method: clinical testing. Allele origin: germline.
Comment: This sequence change falls in intron 20 of the BLM gene. It does not directly change the encoded amino acid sequence of the BLM protein. This variant is not present in population databases (ExAC no frequency). This variant has not been reported in the literature in individuals with BLM-related disease. Algorithms developed to predict the effect of sequence changes on RNA splicing suggest that this variant may disrupt the consensus splice site, but this prediction has not been confirmed by published transcriptional studies. In summary, the available evidence is currently insufficient to determine the role of this variant in disease. Therefore, it has been classified as a Variant of Uncertain Significance.